The following is an entry in ClinVar:

NM_172250.3(MMAA):c.970-6C>T

Gene: MMAA (metabolism of cobalamin associated A; plus strand). Cytogenetic location: 4q31.21.
Variant type: single nucleotide variant.
Coding change: c.970-6C>T on transcript NM_172250.3 (MANE Select); 6 bases into the intron before coding-DNA position 970, C replaced by T.
Molecular consequence: intron variant.
Genome position (GRCh38, 1-based): chr4:145,655,141, C>T. VCF-style: chr4-145655141-C-T. GRCh37 (hg19) VCF-style: chr4-146576293-C-T.
Identifiers: ClinVar variation 507876 (VCV000507876.9), dbSNP rs774402841, ClinGen allele CA3095333.
Genomic context (GRCh38, chr4:145,655,141, plus strand): 5'-AGCGTCCCTGTAAAAATTTTTTCTATCATTTTAAGTAAAATGGTCTGGTTCTTCCCTTTT[C>T]GATAGGTAATTCGTATTTCTGCCCGAAGTGGAGAGGGGATCTCTGAAATGTGGGATAAAA-3'

ClinVar aggregate classification (germline): Likely benign. Review status: criteria provided, multiple submitters, no conflicts (2 of 4 stars). 2 submissions from 2 submitters: Likely benign (2). Last evaluated 2023-07-28.

Conditions:
Methylmalonic aciduria, cblA type (MACA). Also called: Methylmalonic aciduria, vitamin b12-responsive, due to defect in synthesis of adenosylcobalamin, cbla complementation type; MMA cbl A type; Methylmalonic acidemia cblA type; Vitamin B12-responsive methylmalonic acidemia type cblA; Methylmalonic aciduria, vitamin B12-responsive. Identifiers: Orphanet 28, Orphanet 79310, MedGen C1855109, MONDO:0009613, OMIM 251100.

Allele frequency attached by ClinVar (database versions not stated): ExAC 0.00001; gnomAD 0.00001 and 0.00002; gnomAD exomes 0.00001 and 0.00002; TOPMed 0.00001.

Submissions (2):

Labcorp Genetics (formerly Invitae), Labcorp
Classification: Likely benign for Methylmalonic aciduria, cblA type. Last evaluated: 2023-07-28. Review status: criteria provided, single submitter. Criteria: Invitae Variant Classification Sherloc (09022015). Collection method: clinical testing. Allele origin: germline.

GeneDx
Classification: Likely benign. Last evaluated: 2017-03-22. Review status: criteria provided, single submitter. Criteria: GeneDx Variant Classification (06012015). Collection method: clinical testing. Allele origin: germline. Affected: yes.
Comment: This variant is considered likely benign or benign based on one or more of the following criteria: it is a conservative change, it occurs at a poorly conserved position in the protein, it is predicted to be benign by multiple in silico algorithms, and/or has population frequency not consistent with disease.